The following is an entry in ClinVar:

NM_032043.3(BRIP1):c.3740G>C (p.Gly1247Ala)

Gene: BRIP1 (BRCA1 interacting DNA helicase 1; minus strand). Cytogenetic location: 17q23.2.
Variant type: single nucleotide variant.
Coding change: c.3740G>C on transcript NM_032043.3 (MANE Select); coding-DNA position 3740, G replaced by C.
Protein change: p.Gly1247Ala; replaces glycine 1247 with alanine.
Molecular consequence: missense variant.
Genome position (GRCh38, 1-based): chr17:61,683,306, C>G on the plus strand (G>C on the coding strand, the complement: BRIP1 is on the minus strand). VCF-style: chr17-61683306-C-G. GRCh37 (hg19) VCF-style: chr17-59760667-C-G.
Other names: short protein forms G1247A.
Identifiers: ClinVar variation 4216286 (VCV004216286.1).

ClinVar aggregate classification (germline): Uncertain significance (1 of 4 stars; one submission).

Conditions:
Hereditary cancer-predisposing syndrome. Also called: Hereditary Cancer Syndrome; Hereditary neoplastic syndrome; Neoplastic Syndromes, Hereditary; Tumor predisposition. Identifiers: Orphanet 140162, MedGen C0027672, MeSH D009386, MONDO:0015356.

Submission:

Ambry Genetics
Classification: Uncertain significance for Hereditary cancer-predisposing syndrome. Last evaluated: 2025-09-02. Review status: criteria provided, single submitter. Criteria: Ambry Variant Classification Scheme 2023. Collection method: clinical testing. Allele origin: germline.
Comment: The p.G1247A variant (also known as c.3740G>C), located in coding exon 19 of the BRIP1 gene, results from a G to C substitution at nucleotide position 3740. The glycine at codon 1247 is replaced by alanine, an amino acid with similar properties. This amino acid position is conserved. In addition, this alteration is predicted to be tolerated by in silico analysis. Based on the available evidence, the clinical significance of this variant remains unclear.